The following is an entry in ClinVar:

ClinVar aggregate classification (germline): Uncertain significance (1 of 4 stars; one submission).

Submission:

Labcorp Genetics (formerly Invitae), Labcorp
Classification: Uncertain significance. Last evaluated: 2024-01-12. Review status: criteria provided, single submitter. Criteria: Invitae Variant Classification Sherloc (09022015). Collection method: clinical testing. Allele origin: germline.
Comment: This sequence change replaces serine, which is neutral and polar, with asparagine, which is neutral and polar, at codon 197 of the EEF2 protein (p.Ser197Asn). This variant is not present in population databases (gnomAD no frequency). This variant has not been reported in the literature in individuals affected with EEF2-related conditions. An algorithm developed to predict the effect of missense changes on protein structure and function (PolyPhen-2) suggests that this variant is likely to be tolerated. In summary, the available evidence is currently insufficient to determine the role of this variant in disease. Therefore, it has been classified as a Variant of Uncertain Significance.

NM_001961.4(EEF2):c.590G>A (p.Ser197Asn)

Gene: EEF2 (eukaryotic translation elongation factor 2; minus strand). Cytogenetic location: 19p13.3.
Variant type: single nucleotide variant.
Coding change: c.590G>A on transcript NM_001961.4 (MANE Select); coding-DNA position 590, G replaced by A.
Protein change: p.Ser197Asn; replaces serine 197 with asparagine.
Molecular consequence: missense variant.
Genome position (GRCh38, 1-based): chr19:3,982,829, C>T on the plus strand (G>A on the coding strand, the complement: EEF2 is on the minus strand). VCF-style: chr19-3982829-C-T. GRCh37 (hg19) VCF-style: chr19-3982827-C-T.
Other names: short protein forms S197N.
Identifiers: ClinVar variation 2961402 (VCV002961402.3), dbSNP rs2512206380, ClinGen allele CA403394572.